The following is an entry in ClinVar:

NM_003072.5(SMARCA4):c.332G>A (p.Ser111Asn)

Gene: SMARCA4 (SWI/SNF related BAF chromatin remodeling complex subunit ATPase 4; plus strand). Cytogenetic location: 19p13.2.
Variant type: single nucleotide variant.
Coding change: c.332G>A on transcript NM_003072.5 (MANE Select); coding-DNA position 332, G replaced by A.
Protein change: p.Ser111Asn; replaces serine 111 with asparagine.
Molecular consequence: missense variant. On other transcripts: non-coding transcript variant (1).
Genome position (GRCh38, 1-based): chr19:10,985,382, G>A. VCF-style: chr19-10985382-G-A. GRCh37 (hg19) VCF-style: chr19-11096058-G-A.
Other names: c.332G>A, p.Ser111Asn (NM_001128844.3, NM_001128845.2, NM_001128846.2 and 6 more transcripts); short protein forms S111N.
Identifiers: ClinVar variation 1730301 (VCV001730301.2), dbSNP rs2513971836, ClinGen allele CA404055316.
Genomic context (GRCh38, chr19:10,985,382, plus strand): 5'-ACCAGATGAAAGGAATGGGGATGCGGTCAGGGGGCCATGCTGGGATGGGGCCCCCGCCCA[G>A]CCCCATGGACCAGCACTCCCAAGGTACAGAACTGCGTTCCTTCCTGCCTTGTGTTTGTCA-3'
Protein context (NP_003063.2, residues 101-121): GGHAGMGPPP[Ser111Asn]PMDQHSQGYP

ClinVar aggregate classification (germline): Uncertain significance (1 of 4 stars; one submission).

Conditions:
Hereditary cancer-predisposing syndrome. Also called: Neoplastic Syndromes, Hereditary; Tumor predisposition; Hereditary Cancer Syndrome; Hereditary neoplastic syndrome. Identifiers: Orphanet 140162, MedGen C0027672, MeSH D009386, MONDO:0015356.

Submission:

Ambry Genetics
Classification: Uncertain significance for Hereditary cancer-predisposing syndrome. Last evaluated: 2020-03-16. Review status: criteria provided, single submitter. Criteria: Ambry Variant Classification Scheme 2023. Collection method: clinical testing. Allele origin: germline.
Comment: The p.S111N variant (also known as c.332G>A), located in coding exon 2 of the SMARCA4 gene, results from a G to A substitution at nucleotide position 332. The serine at codon 111 is replaced by asparagine, an amino acid with highly similar properties. This amino acid position is highly conserved in available vertebrate species. In addition, this alteration is predicted to be tolerated by in silico analysis. Since supporting evidence is limited at this time, the clinical significance of this alteration remains unclear.